The following is an entry in ClinVar:

NM_000069.3(CACNA1S):c.753G>A (p.Gly251=)

Gene: CACNA1S (calcium voltage-gated channel subunit alpha1 S; minus strand). Cytogenetic location: 1q32.1.
Variant type: single nucleotide variant.
Coding change: c.753G>A on transcript NM_000069.3 (MANE Select); coding-DNA position 753, G replaced by A.
Protein change: p.Gly251=; no amino-acid change (glycine 251 retained).
Molecular consequence: synonymous variant.
Genome position (GRCh38, 1-based): chr1:201,089,405, C>T on the plus strand (G>A on the coding strand, the complement: CACNA1S is on the minus strand). VCF-style: chr1-201089405-C-T. GRCh37 (hg19) VCF-style: chr1-201058533-C-T.
Identifiers: ClinVar variation 3069882 (VCV003069882.2), dbSNP rs1662150684, ClinGen allele CA422694277.

ClinVar aggregate classification (germline): Likely benign. Review status: criteria provided, multiple submitters, no conflicts (2 of 4 stars). 2 submissions from 2 submitters: Likely benign (2). Last evaluated 2023-11-30.

Conditions:
Malignant hyperthermia, susceptibility to, 5 (MHS5). Also called: CACNA1S-Related Malignant Hyperthermia Susceptibility. Identifiers: Orphanet 423, MedGen C1866077, MONDO:0011163, OMIM 601887.

Submissions (2):

All of Us Research Program, National Institutes of Health
Classification: Likely benign for Malignant hyperthermia, susceptibility to, 5. Last evaluated: 2023-11-30. Review status: criteria provided, single submitter. Criteria: ACMG Guidelines, 2015. Collection method: clinical testing. Allele origin: germline. Inheritance: Autosomal dominant inheritance. Observed: 2 variant alleles, 2 heterozygotes.
Comment: This study involves interpretation of variants in research participants for the purpose of population health screening. Participant phenotype was not available at the time of variant classification. Additional details can be found in publication PMID: 35346344, PMCID: PMC8962531

Blueprint Genetics
Classification: Likely benign. Last evaluated: 2020-10-19. Review status: criteria provided, single submitter. Criteria: ACMG Guidelines, 2015. Collection method: clinical testing. Allele origin: germline.